The following is an entry in ClinVar:

NM_001369.3(DNAH5):c.5252C>A (p.Ser1751Tyr)

Gene: DNAH5 (dynein axonemal heavy chain 5; minus strand). Cytogenetic location: 5p15.2.
Variant type: single nucleotide variant.
Coding change: c.5252C>A on transcript NM_001369.3 (MANE Select); coding-DNA position 5252, C replaced by A.
Protein change: p.Ser1751Tyr; replaces serine 1751 with tyrosine.
Molecular consequence: missense variant.
Genome position (GRCh38, 1-based): chr5:13,844,856, G>T on the plus strand (C>A on the coding strand, the complement: DNAH5 is on the minus strand). VCF-style: chr5-13844856-G-T. GRCh37 (hg19) VCF-style: chr5-13844965-G-T.
Other names: short protein forms S1751Y.
Identifiers: ClinVar variation 1376251 (VCV001376251.6), dbSNP rs2151870055, ClinGen allele CA359213722.

ClinVar aggregate classification (germline): Uncertain significance (1 of 4 stars; one submission).

Conditions:
Primary ciliary dyskinesia. Also called: Ciliary dyskinesia. Identifiers: Orphanet 244, MedGen C0008780, MONDO:0016575, HP:0012265.

Submission:

Labcorp Genetics (formerly Invitae), Labcorp
Classification: Uncertain significance for Primary ciliary dyskinesia. Last evaluated: 2021-10-14. Review status: criteria provided, single submitter. Criteria: Invitae Variant Classification Sherloc (09022015). Collection method: clinical testing. Allele origin: germline.
Comment: In summary, the available evidence is currently insufficient to determine the role of this variant in disease. Therefore, it has been classified as a Variant of Uncertain Significance. Advanced modeling of protein sequence and biophysical properties (such as structural, functional, and spatial information, amino acid conservation, physicochemical variation, residue mobility, and thermodynamic stability) performed at Invitae indicates that this missense variant is not expected to disrupt DNAH5 protein function. This variant has not been reported in the literature in individuals affected with DNAH5-related conditions. This variant is not present in population databases (ExAC no frequency). This sequence change replaces serine with tyrosine at codon 1751 of the DNAH5 protein (p.Ser1751Tyr). The serine residue is weakly conserved and there is a large physicochemical difference between serine and tyrosine.